The following is an entry in ClinVar:

NM_001278116.2(L1CAM):c.785T>G (p.Leu262Arg)

Gene: L1CAM (L1 cell adhesion molecule; minus strand). Cytogenetic location: Xq28.
Variant type: single nucleotide variant.
Coding change: c.785T>G on transcript NM_001278116.2 (MANE Select); coding-DNA position 785, T replaced by G.
Protein change: p.Leu262Arg; replaces leucine 262 with arginine.
Molecular consequence: missense variant.
Genome position (GRCh38, 1-based): chrX:153,870,409, A>C on the plus strand (T>G on the coding strand, the complement: L1CAM is on the minus strand). VCF-style: chrX-153870409-A-C. GRCh37 (hg19) VCF-style: chrX-153135864-A-C.
Other names: c.785T>G, p.Leu262Arg (NM_000425.5, NM_024003.3); c.770T>G, p.Leu257Arg (NM_001143963.2); short protein forms L262R, L257R.
Identifiers: ClinVar variation 453049 (VCV000453049.3), dbSNP rs1557092743, ClinGen allele CA415133019.

ClinVar aggregate classification (germline): Likely pathogenic (1 of 4 stars; one submission).

Submission:

GeneDx
Classification: Likely pathogenic. Last evaluated: 2019-07-09. Review status: criteria provided, single submitter. Criteria: GeneDx Variant Classification Process June 2021. Collection method: clinical testing. Allele origin: germline. Affected: yes.
Comment: Not observed in large population cohorts (Lek et al., 2016); In silico analysis, which includes protein predictors and evolutionary conservation, supports a deleterious effect; Has not been previously published as pathogenic or benign to our knowledge